The following is an entry in ClinVar:

ClinVar aggregate classification (germline): Uncertain significance (1 of 4 stars; one submission).

Allele frequency attached by ClinVar (database versions not stated): gnomAD exomes below 0.00001.
gnomAD v4.1: 2 of 1,614,140 alleles (0.00012%); highest among the groups gnomAD compares: Non-Finnish European, 0.00017%; no homozygotes.

Submission:

Labcorp Genetics (formerly Invitae), Labcorp
Classification: Uncertain significance. Last evaluated: 2022-09-22. Review status: criteria provided, single submitter. Criteria: Invitae Variant Classification Sherloc (09022015). Collection method: clinical testing. Allele origin: germline.
Comment: Advanced modeling of protein sequence and biophysical properties (such as structural, functional, and spatial information, amino acid conservation, physicochemical variation, residue mobility, and thermodynamic stability) performed at Invitae indicates that this missense variant is not expected to disrupt NBAS protein function. In summary, the available evidence is currently insufficient to determine the role of this variant in disease. Therefore, it has been classified as a Variant of Uncertain Significance. This variant has not been reported in the literature in individuals affected with NBAS-related conditions. This variant is not present in population databases (gnomAD no frequency). This sequence change replaces alanine, which is neutral and non-polar, with valine, which is neutral and non-polar, at codon 1952 of the NBAS protein (p.Ala1952Val).

NM_015909.4(NBAS):c.5855C>T (p.Ala1952Val)

Gene: NBAS (NBAS subunit of NRZ tethering complex; minus strand). Cytogenetic location: 2p24.3.
Variant type: single nucleotide variant.
Coding change: c.5855C>T on transcript NM_015909.4 (MANE Select); coding-DNA position 5855, C replaced by T.
Protein change: p.Ala1952Val; replaces alanine 1952 with valine.
Molecular consequence: missense variant. On other transcripts: non-coding transcript variant (1).
Genome position (GRCh38, 1-based): chr2:15,238,556, G>A on the plus strand (C>T on the coding strand, the complement: NBAS is on the minus strand). VCF-style: chr2-15238556-G-A. GRCh37 (hg19) VCF-style: chr2-15378680-G-A.
Other names: short protein forms A1952V.
Identifiers: ClinVar variation 2079379 (VCV002079379.2), dbSNP rs2528288427, ClinGen allele CA345891515.
Genomic context (GRCh38, chr2:15,238,556, plus strand): 5'-AAGCTGTGGCTCAGGGTTTCCAGGTGGGCAAGTGATTTCTCCAGATGATTCAAAGTATCT[G>A]CATAGGTAACTTTAGAATCCTTAGCTTCTTGAGCTTCGTCTTCTGAGTTTCTTTTCCTTG-3'
Protein context (NP_056993.2, residues 1942-1962): QEAKDSKVTY[Ala1952Val]DTLNHLEKSL